The following is an entry in ClinVar:

ClinVar aggregate classification (germline): Uncertain significance. Review status: criteria provided, multiple submitters, no conflicts (2 of 4 stars). 2 submissions from 2 submitters: Uncertain significance (2). Last evaluated 2023-12-04.

Conditions:
Ehlers-Danlos syndrome (EDS). Identifiers: Orphanet 98249, MedGen C0013720, MONDO:0020066.
Cardiovascular phenotype. Identifiers: MedGen CN230736.

Allele frequency attached by ClinVar (database versions not stated): TOPMed 0.00002; gnomAD 0.00003 and 0.00004.
gnomAD v4.1: 9 of 1,612,936 alleles (0.00056%); highest among the groups gnomAD compares: African/African-American, 0.0027%; no homozygotes.

Submissions (2):

Ambry Genetics
Classification: Uncertain significance for Cardiovascular phenotype. Last evaluated: 2023-12-04. Review status: criteria provided, single submitter. Criteria: Ambry Variant Classification Scheme 2023. Collection method: clinical testing. Allele origin: germline.
Comment: The p.D2764N variant (also known as c.8290G>A), located in coding exon 23 of the TNXB gene, results from a G to A substitution at nucleotide position 8290. The aspartic acid at codon 2764 is replaced by asparagine, an amino acid with highly similar properties. This amino acid position is conserved. In addition, this alteration is predicted to be tolerated by in silico analysis. Since supporting evidence is limited at this time, the clinical significance of this alteration remains unclear.

Genome Diagnostics Laboratory, The Hospital for Sick Children
Classification: Uncertain significance for Ehlers-Danlos syndrome. Last evaluated: 2021-07-22. Review status: criteria provided, single submitter. Criteria: ACMG Guidelines, 2015. Collection method: clinical testing. Allele origin: germline.

NM_001365276.2(TNXB):c.8290G>A (p.Asp2764Asn)

Gene: TNXB (tenascin XB; minus strand). Cytogenetic location: 6p21.33.
Variant type: single nucleotide variant.
Coding change: c.8290G>A on transcript NM_001365276.2 (MANE Select); coding-DNA position 8290, G replaced by A.
Protein change: p.Asp2764Asn; replaces aspartic acid 2764 with asparagine.
Molecular consequence: missense variant.
Genome position (GRCh38, 1-based): chr6:32,056,028, C>T on the plus strand (G>A on the coding strand, the complement: TNXB is on the minus strand). VCF-style: chr6-32056028-C-T. GRCh37 (hg19) VCF-style: chr6-32023805-C-T.
Other names: c.8290G>A, p.Asp2764Asn (NM_019105.8); short protein forms D2764N.
Identifiers: ClinVar variation 1702353 (VCV001702353.4), dbSNP rs1202460287, ClinGen allele CA363549341.